The following is an entry in ClinVar:

ClinVar aggregate classification (germline): Uncertain significance. Review status: criteria provided, multiple submitters, no conflicts (2 of 4 stars). 2 submissions from 2 submitters: Uncertain significance (2). Last evaluated 2024-09-10.

Conditions:
Inborn genetic diseases. Identifiers: MedGen C0950123, MeSH D030342.
Mucopolysaccharidosis type 6 (MPS6). Also called: N-ACETYLGALACTOSAMINE-4-SULFATASE DEFICIENCY; MPS 6; Maroteaux Lamy syndrome; MPS VI; ARSB DEFICIENCY; ARYLSULFATASE B DEFICIENCY. Identifiers: Orphanet 583, MedGen C0026709, MONDO:0009661, OMIM 253200.

Allele frequency attached by ClinVar (database versions not stated): gnomAD exomes below 0.00001; gnomAD 0.00001.
gnomAD v4.1: 2 of 1,613,612 alleles (0.00012%); highest among the groups gnomAD compares: African/African-American, 0.0013%; no homozygotes.

Submissions (2):

Ambry Genetics
Classification: Uncertain significance for Inborn genetic diseases. Last evaluated: 2024-09-10. Review status: criteria provided, single submitter. Criteria: Ambry Variant Classification Scheme 2023. Collection method: clinical testing. Allele origin: germline.

Labcorp Genetics (formerly Invitae), Labcorp
Classification: Uncertain significance for Mucopolysaccharidosis type 6. Last evaluated: 2022-05-18. Review status: criteria provided, single submitter. Criteria: Invitae Variant Classification Sherloc (09022015). Collection method: clinical testing. Allele origin: germline.
Comment: This sequence change replaces proline, which is neutral and non-polar, with leucine, which is neutral and non-polar, at codon 228 of the ARSB protein (p.Pro228Leu). This variant is present in population databases (no rsID available, gnomAD 0.01%). This variant has not been reported in the literature in individuals affected with ARSB-related conditions. Advanced modeling of protein sequence and biophysical properties (such as structural, functional, and spatial information, amino acid conservation, physicochemical variation, residue mobility, and thermodynamic stability) performed at Invitae indicates that this missense variant is expected to disrupt ARSB protein function. In summary, the available evidence is currently insufficient to determine the role of this variant in disease. Therefore, it has been classified as a Variant of Uncertain Significance.

NM_000046.5(ARSB):c.683C>T (p.Pro228Leu)

Gene: ARSB (arylsulfatase B; minus strand). Cytogenetic location: 5q14.1.
Variant type: single nucleotide variant.
Coding change: c.683C>T on transcript NM_000046.5 (MANE Select); coding-DNA position 683, C replaced by T.
Protein change: p.Pro228Leu; replaces proline 228 with leucine.
Molecular consequence: missense variant.
Genome position (GRCh38, 1-based): chr5:78,964,423, G>A on the plus strand (C>T on the coding strand, the complement: ARSB is on the minus strand). VCF-style: chr5-78964423-G-A. GRCh37 (hg19) VCF-style: chr5-78260246-G-A.
Other names: c.683C>T, p.Pro228Leu (NM_198709.3); c.683C>T (NM_000046.3); short protein forms P228L.
Identifiers: ClinVar variation 2418120 (VCV002418120.6), dbSNP rs1183289497, ClinGen allele CA360192981.